The following is an entry in ClinVar:

ClinVar aggregate classification (germline): Uncertain significance (1 of 4 stars; one submission).

Conditions:
Malignant hyperthermia, susceptibility to, 1 (MHS1). Also called: Anesthesia related hyperthermia; Malignant hyperpyrexia; Fulminating hyperpyrexia; Pharmacogenic myopathy; RYR1-Related Malignant Hyperthermia Susceptibility; Malignant hyperthermia suceptibility 1. Identifiers: Orphanet 423, MedGen C2930980, MONDO:0007783, OMIM 145600.

Allele frequency attached by ClinVar (database versions not stated): gnomAD 0.00001; TOPMed 0.00001.

Submission:

All of Us Research Program, National Institutes of Health
Classification: Uncertain significance for Malignant hyperthermia, susceptibility to, 1. Last evaluated: 2024-01-03. Review status: criteria provided, single submitter. Criteria: ACMG Guidelines, 2015. Collection method: clinical testing. Allele origin: germline. Inheritance: Autosomal dominant inheritance. Observed: 1 variant allele, 1 heterozygote.
Comment: This missense variant replaces alanine with threonine at codon 738 of the RYR1 protein. Computational prediction suggests that this variant may not impact protein structure and function (internally defined REVEL score threshold <= 0.5, PMID: 27666373). To our knowledge, functional studies have not been reported for this variant. This variant has not been reported in individuals affected with RYR1-related disorders in the literature. This variant has not been identified in the general population by the Genome Aggregation Database (gnomAD). The available evidence is insufficient to determine the role of this variant in disease conclusively. Therefore, this variant is classified as a Variant of Uncertain Significance.

This study involves interpretation of variants in research participants for the purpose of population health screening. Participant phenotype was not available at the time of variant classification. Additional details can be found in publication PMID: 35346344, PMCID: PMC8962531

NM_000540.3(RYR1):c.2212G>A (p.Ala738Thr)

Gene: RYR1 (ryanodine receptor 1; plus strand). Cytogenetic location: 19q13.2.
Variant type: single nucleotide variant.
Coding change: c.2212G>A on transcript NM_000540.3 (MANE Select); coding-DNA position 2212, G replaced by A.
Protein change: p.Ala738Thr; replaces alanine 738 with threonine.
Molecular consequence: missense variant.
Genome position (GRCh38, 1-based): chr19:38,459,190, G>A. VCF-style: chr19-38459190-G-A. GRCh37 (hg19) VCF-style: chr19-38949830-G-A.
Other names: c.2212G>A, p.Ala738Thr (NM_001042723.2); short protein forms A738T.
Identifiers: ClinVar variation 3075256 (VCV003075256.1), dbSNP rs1018325644, ClinGen allele CA308070037.
Genomic context (GRCh38, chr19:38,459,190, plus strand): 5'-CTGGTGACTGATGCAGGACACGTGGCACGCCCAGTGACTTCCCCAGGGCAGCACCTCCTG[G>A]CCCCTGAAGACGTGATCAGCTGCTGCCTGGACCTCAGCGTGCCGTCCATCTCCTTCCGCA-3'
Protein context (NP_000531.2, residues 728-748): PVTSPGQHLL[Ala738Thr]PEDVISCCLD